The following is an entry in ClinVar:

ClinVar aggregate classification (germline): Uncertain significance (1 of 4 stars; one submission).

Submission:

Labcorp Genetics (formerly Invitae), Labcorp
Classification: Uncertain significance. Last evaluated: 2025-09-27. Review status: criteria provided, single submitter. Criteria: Invitae Variant Classification Sherloc (09022015). Collection method: clinical testing. Allele origin: germline.
Comment: This sequence change falls in intron 18 of the MICAL1 gene. It does not directly change the encoded amino acid sequence of the MICAL1 protein. This variant is present in population databases (rs6149743, gnomAD 0.09%). This variant has not been reported in the literature in individuals affected with MICAL1-related conditions. ClinVar contains an entry for this variant (Variation ID: 1495343). In summary, the available evidence is currently insufficient to determine the role of this variant in disease. Therefore, it has been classified as a Variant of Uncertain Significance.

NM_022765.4(MICAL1):c.2305-17_2305-16insCCACCCTGGGCAGGTGACTGACCAGA

Gene: MICAL1 (microtubule associated monooxygenase, calponin and LIM domain containing 1; minus strand). Cytogenetic location: 6q21.
Variant type: Insertion.
Coding change: c.2305-17_2305-16insCCACCCTGGGCAGGTGACTGACCAGA on transcript NM_022765.4 (MANE Select); 17 bases into the intron before coding-DNA position 2305 through 16 bases into the intron before coding-DNA position 2305, CCACCCTGGGCAGGTGACTGACCAGA inserted.
Molecular consequence: intron variant.
Genome position: GRCh38 VCF-style: chr6-109446428-T-TGTGGTCTGGTCAGTCACCTGCCCAGG. GRCh37 (hg19) VCF-style: chr6-109767631-T-TGTGGTCTGGTCAGTCACCTGCCCAGG.
Other names: c.2362-17_2362-16insCCACCCTGGGCAGGTGACTGACCAGA (NM_001286613.2); c.2047-17_2047-16insCCACCCTGGGCAGGTGACTGACCAGA (NM_001159291.2).
Identifiers: ClinVar variation 1495343 (VCV001495343.6), dbSNP rs6149743, ClinGen allele CA3952940.